The following is an entry in ClinVar:

ClinVar aggregate classification (germline): Uncertain significance (1 of 4 stars; one submission).

Allele frequency attached by ClinVar (database versions not stated): gnomAD exomes below 0.00001 and 0.00001; ExAC 0.00002; gnomAD 0.00002 and 0.00003; TOPMed 0.00002; ESP Exome Variant Server 0.00008.
gnomAD v4.1: 6 of 1,612,846 alleles (0.00037%); highest among the groups gnomAD compares: African/African-American, 0.0013%; no homozygotes.

Submission:

Labcorp Genetics (formerly Invitae), Labcorp
Classification: Uncertain significance. Last evaluated: 2022-11-29. Review status: criteria provided, single submitter. Criteria: Invitae Variant Classification Sherloc (09022015). Collection method: clinical testing. Allele origin: germline.
Comment: This sequence change replaces proline, which is neutral and non-polar, with alanine, which is neutral and non-polar, at codon 338 of the KIF11 protein (p.Pro338Ala). The frequency data for this variant in the population databases is considered unreliable, as metrics indicate poor data quality at this position in the gnomAD database. This variant has not been reported in the literature in individuals affected with KIF11-related conditions. ClinVar contains an entry for this variant (Variation ID: 1044897). Advanced modeling of protein sequence and biophysical properties (such as structural, functional, and spatial information, amino acid conservation, physicochemical variation, residue mobility, and thermodynamic stability) performed at Invitae indicates that this missense variant is not expected to disrupt KIF11 protein function. In summary, the available evidence is currently insufficient to determine the role of this variant in disease. Therefore, it has been classified as a Variant of Uncertain Significance.

NM_004523.4(KIF11):c.1012C>G (p.Pro338Ala)

Gene: KIF11 (kinesin family member 11; plus strand). Cytogenetic location: 10q23.33.
Variant type: single nucleotide variant.
Coding change: c.1012C>G on transcript NM_004523.4 (MANE Select); coding-DNA position 1012, C replaced by G.
Protein change: p.Pro338Ala; replaces proline 338 with alanine.
Molecular consequence: missense variant.
Genome position (GRCh38, 1-based): chr10:92,613,599, C>G. VCF-style: chr10-92613599-C-G. GRCh37 (hg19) VCF-style: chr10-94373356-C-G.
Other names: short protein forms P338A.
Identifiers: ClinVar variation 1044897 (VCV001044897.8), dbSNP rs375213251, ClinGen allele CA5604092.